The following is an entry in ClinVar:

NM_002519.3(NPAT):c.3908A>G (p.Lys1303Arg)

Gene: NPAT (nuclear protein, coactivator of histone transcription; minus strand). Cytogenetic location: 11q22.3.
Variant type: single nucleotide variant.
Coding change: c.3908A>G on transcript NM_002519.3 (MANE Select); coding-DNA position 3908, A replaced by G.
Protein change: p.Lys1303Arg; replaces lysine 1303 with arginine.
Molecular consequence: missense variant.
Genome position (GRCh38, 1-based): chr11:108,161,178, T>C on the plus strand (A>G on the coding strand, the complement: NPAT is on the minus strand). VCF-style: chr11-108161178-T-C. GRCh37 (hg19) VCF-style: chr11-108031905-T-C.
Other names: c.3929A>G, p.Lys1310Arg (NM_001321307.1); short protein forms K1303R, K1310R.
Identifiers: ClinVar variation 1736072 (VCV001736072.2), dbSNP rs1256795926, ClinGen allele CA382509782.

ClinVar aggregate classification (germline): Uncertain significance (1 of 4 stars; one submission).

Allele frequency attached by ClinVar (database versions not stated): TOPMed below 0.00001.

Submission:

Ambry Genetics
Classification: Uncertain significance. Last evaluated: 2022-03-16. Review status: criteria provided, single submitter. Criteria: Ambry Variant Classification Scheme 2023. Collection method: clinical testing. Allele origin: germline.
Comment: The p.K1303R variant (also known as c.3908A>G), located in coding exon 17 of the NPAT gene, results from an A to G substitution at nucleotide position 3908. The lysine at codon 1303 is replaced by arginine, an amino acid with highly similar properties. This amino acid position is conserved. In addition, this alteration is predicted to be tolerated by in silico analysis. Since supporting evidence is limited at this time, the clinical significance of this alteration remains unclear.